The following is an entry in ClinVar:

ClinVar aggregate classification (germline): Uncertain significance (1 of 4 stars; one submission).

Submission:

Labcorp Genetics (formerly Invitae), Labcorp
Classification: Uncertain significance. Last evaluated: 2022-05-31. Review status: criteria provided, single submitter. Criteria: Invitae Variant Classification Sherloc (09022015). Collection method: clinical testing. Allele origin: germline.
Comment: This sequence change falls in intron 2 of the TOPORS gene. It does not directly change the encoded amino acid sequence of the TOPORS protein. It affects a nucleotide within the consensus splice site. This variant is not present in population databases (gnomAD no frequency). This variant has not been reported in the literature in individuals affected with TOPORS-related conditions. Variants that disrupt the consensus splice site are a relatively common cause of aberrant splicing (PMID: 17576681, 9536098). Algorithms developed to predict the effect of sequence changes on RNA splicing suggest that this variant is not likely to affect RNA splicing. In summary, the available evidence is currently insufficient to determine the role of this variant in disease. Therefore, it has been classified as a Variant of Uncertain Significance.

Literature cited by the submitters: PubMed 17576681; PubMed 9536098.

NM_005802.5(TOPORS):c.198+4A>G

Gene: TOPORS (TOP1 binding arginine/serine rich protein, E3 ubiquitin ligase; minus strand). Cytogenetic location: 9p21.1.
Variant type: single nucleotide variant.
Coding change: c.198+4A>G on transcript NM_005802.5 (MANE Select); 4 bases into the intron after coding-DNA position 198, A replaced by G.
Molecular consequence: intron variant.
Genome position (GRCh38, 1-based): chr9:32,550,770, T>C on the plus strand (A>G on the coding strand, the complement: TOPORS is on the minus strand). VCF-style: chr9-32550770-T-C. GRCh37 (hg19) VCF-style: chr9-32550768-T-C.
Other names: c.3+1664A>G (NM_001195622.2).
Identifiers: ClinVar variation 2092853 (VCV002092853.4), dbSNP rs2489472888, ClinGen allele CA2580080334.
Genomic context (GRCh38, chr9:32,550,770, plus strand): 5'-GCGGGAGCGCCAACTCCCACGGCCCTTCCGACCCCCGCGTCCCATTGTTCCGAATCTCAC[T>C]CACCTCGGAGGATGCCGGCGCAGGCCTGGCTGGGGCGCTCGCCGCGAGCTCCCGGCAGCC-3'